The following is an entry in ClinVar:

ClinVar aggregate classification (germline): Benign/Likely benign. Review status: criteria provided, multiple submitters, no conflicts (2 of 4 stars). 10 submissions from 10 submitters: Benign (4); Likely benign (6). Last evaluated 2026-01-29.

Conditions:
Monocytopenia with susceptibility to infections. Also called: IMMUNODEFICIENCY 21; GATA2 DEFICIENCY; Dendritic cell, monocyte, B lymphocyte, and natural killer lymphocyte deficiency; MONOCYTOPENIA AND MYCOBACTERIAL INFECTION SYNDROME; MONOCYTOPENIA WITH SUSCEPTIBILITY TO MYCOBACTERIAL, FUNGAL, AND PAPILLOMAVIRUS INFECTIONS AND MYELODYSPLASIA; COMBINED IMMUNODEFICIENCY WITH SUSCEPTIBILITY TO MYCOBACTERIAL, VIRAL, AND FUNGAL INFECTIONS. Identifiers: Orphanet 228423, MedGen C3280030, MONDO:0013607, OMIM 614172.
Deafness-lymphedema-leukemia syndrome. Also called: Lymphedema, primary, with myelodysplasia; Emberger syndrome. Identifiers: Orphanet 3226, MedGen C3279664, MONDO:0013540, OMIM 614038.
Inborn genetic diseases. Identifiers: MedGen C0950123, MeSH D030342.
Hereditary cancer-predisposing syndrome. Also called: Tumor predisposition; Hereditary Cancer Syndrome; Neoplastic Syndromes, Hereditary; Hereditary neoplastic syndrome. Identifiers: Orphanet 140162, MedGen C0027672, MeSH D009386, MONDO:0015356.

Allele frequency attached by ClinVar (database versions not stated): gnomAD exomes 0.00021 and 0.00061; ExAC 0.00074; ESP Exome Variant Server 0.00231; gnomAD 0.00251 and 0.00264; TOPMed 0.00273; 1000 Genomes Project 30x 0.00328; 1000 Genomes Project 0.00339.
gnomAD v4.1: 717 of 1,611,640 alleles (0.044%); highest among the groups gnomAD compares: African/African-American, 0.84%; 4 homozygotes.

Submissions (10):

Labcorp Genetics (formerly Invitae), Labcorp
Classification: Benign for Monocytopenia with susceptibility to infections; Deafness-lymphedema-leukemia syndrome. Last evaluated: 2026-01-29. Review status: criteria provided, single submitter. Criteria: Invitae Variant Classification Sherloc (09022015). Collection method: clinical testing. Allele origin: germline.

CeGaT Center for Human Genetics Tuebingen
Classification: Likely benign. Last evaluated: 2025-04-01. Review status: criteria provided, single submitter. Criteria: CeGaT Center For Human Genetics Tuebingen Variant Classification Criteria Version 2. Collection method: clinical testing. Allele origin: germline. Affected: yes. Observed: 1 variant allele.
Comment: GATA2: BP4, BP7, BS1

Mayo Clinic Laboratories, Mayo Clinic
Classification: Likely benign. Last evaluated: 2025-01-08. Review status: criteria provided, single submitter. Criteria: ACMG Guidelines, 2015. Collection method: clinical testing. Allele origin: germline. Observed: 8 variant alleles.
Comment: BS1, BP4, BP7

Blueprint Genetics
Classification: Likely benign. Last evaluated: 2024-11-13. Review status: criteria provided, single submitter. Criteria: ACMG Guidelines, 2015. Collection method: clinical testing. Allele origin: germline.

Ambry Genetics
Classification: Likely benign for Inborn genetic diseases. Last evaluated: 2024-08-21. Review status: criteria provided, single submitter. Criteria: Ambry Variant Classification Scheme 2023. Collection method: clinical testing. Allele origin: germline.

Sema4
Classification: Benign for Hereditary cancer-predisposing syndrome. Last evaluated: 2020-12-12. Review status: criteria provided, single submitter. Criteria: Sema4 Curation Guidelines. Collection method: curation. Allele origin: germline.

GeneDx
Classification: Likely benign. Last evaluated: 2020-08-18. Review status: criteria provided, single submitter. Criteria: GeneDx Variant Classification Process June 2021. Collection method: clinical testing. Allele origin: germline. Affected: yes.

Genetic Services Laboratory, University of Chicago
Classification: Benign. Last evaluated: 2018-03-22. Review status: criteria provided, single submitter. Criteria: ACMG Guidelines, 2015. Collection method: clinical testing. Allele origin: germline. Affected: no.

Illumina Laboratory Services, Illumina
Classification: Benign for Deafness-lymphedema-leukemia syndrome. Last evaluated: 2018-01-12. Review status: criteria provided, single submitter. Criteria: ICSL Variant Classification Criteria 13 December 2019. Collection method: clinical testing. Allele origin: germline.
Comment: This variant was observed in the ICSL laboratory as part of a predisposition screen in an ostensibly healthy population. It had not been previously curated by ICSL or reported in the Human Gene Mutation Database (HGMD: prior to June 1st, 2018), and was therefore a candidate for classification through an automated scoring system. Utilizing variant allele frequency, disease prevalence and penetrance estimates, and inheritance mode, an automated score was calculated to assess if this variant is too frequent to cause the disease. Based on the score and internal cut-off values, a variant classified as benign is not then subjected to further curation. The score for this variant resulted in a classification of benign for this disease.

PreventionGenetics, part of Exact Sciences
Classification: Likely benign. Review status: criteria provided, single submitter. Criteria: ACMG Guidelines, 2015. Collection method: clinical testing. Allele origin: germline.

NM_032638.5(GATA2):c.66C>G (p.Pro22=)

Gene: GATA2 (GATA binding protein 2; minus strand). Cytogenetic location: 3q21.3.
Variant type: single nucleotide variant.
Coding change: c.66C>G on transcript NM_032638.5 (MANE Select); coding-DNA position 66, C replaced by G.
Protein change: p.Pro22=; no amino-acid change (proline 22 retained).
Molecular consequence: synonymous variant.
Genome position (GRCh38, 1-based): chr3:128,486,966, G>C on the plus strand (C>G on the coding strand, the complement: GATA2 is on the minus strand). VCF-style: chr3-128486966-G-C. GRCh37 (hg19) VCF-style: chr3-128205809-G-C.
Other names: p.Pro22=; c.66C>G, p.Pro22= (NM_001145661.2, NM_001145662.1).
Identifiers: ClinVar variation 257567 (VCV000257567.33), dbSNP rs113384352, ClinGen allele CA2600109.
Genomic context (GRCh38, chr3:128,486,966, plus strand): 5'-TGGAGGCAGCAGCTGCGCGGGTTCCATGTAGTTGTGCGCCAGGCCCGGGTGGTGTGAGTC[G>C]GGGTGCTGCGCATTCAGCACGGCCGGGTGCGCCATCCAGCGCGGCTGCTCGGGCGCCACC-3'
Protein context (NP_116027.2, residues 12-32): AHPAVLNAQH[Pro22=]DSHHPGLAHN